The following is an entry in ClinVar:

ClinVar aggregate classification (germline): Uncertain significance (1 of 4 stars; one submission).

Conditions:
Norman-Roberts syndrome (LIS2). Also called: Lissencephaly 2 (Norman-Roberts type). Identifiers: Orphanet 89844, MedGen C0796089, MONDO:0009760, OMIM 257320.
Familial temporal lobe epilepsy 7. Identifiers: Orphanet 101046, MedGen C4225327, MONDO:0014639, OMIM 616436.

Submission:

Labcorp Genetics (formerly Invitae), Labcorp
Classification: Uncertain significance for Familial temporal lobe epilepsy 7; Norman-Roberts syndrome. Last evaluated: 2020-08-06. Review status: criteria provided, single submitter. Criteria: Invitae Variant Classification Sherloc (09022015). Collection method: clinical testing. Allele origin: germline.
Comment: This sequence change replaces serine with asparagine at codon 3347 of the RELN protein (p.Ser3347Asn). The serine residue is moderately conserved and there is a small physicochemical difference between serine and asparagine. This variant is not present in population databases (ExAC no frequency). This variant has not been reported in the literature in individuals with RELN-related conditions. In summary, the available evidence is currently insufficient to determine the role of this variant in disease. Therefore, it has been classified as a Variant of Uncertain Significance. Algorithms developed to predict the effect of missense changes on protein structure and function (SIFT, PolyPhen-2, Align-GVGD) all suggest that this variant is likely to be tolerated, but these predictions have not been confirmed by published functional studies and their clinical significance is uncertain.

NM_005045.4(RELN):c.10040G>A (p.Ser3347Asn)

Genes: SLC26A5-AS1 (SLC26A5 antisense RNA 1; plus strand), RELN (reelin; minus strand). Cytogenetic location: 7q22.1.
Variant type: single nucleotide variant.
Coding change: c.10040G>A on transcript NM_005045.4 (MANE Select); coding-DNA position 10040, G replaced by A.
Protein change: p.Ser3347Asn; replaces serine 3347 with asparagine.
Molecular consequence: missense variant.
Genome position (GRCh38, 1-based): chr7:103,483,794, C>T on the plus strand (G>A on the coding strand, the complement: RELN is on the minus strand). VCF-style: chr7-103483794-C-T. GRCh37 (hg19) VCF-style: chr7-103124241-C-T.
Other names: c.10040G>A, p.Ser3347Asn (NM_173054.3); short protein forms S3347N.
Identifiers: ClinVar variation 998997 (VCV000998997.8), dbSNP rs1828326766, ClinGen allele CA368739180.